The following is an entry in ClinVar:

ClinVar aggregate classification (germline): Uncertain significance (1 of 4 stars; one submission).

Conditions:
Cardiomyopathy (CMYO). Also called: Cardiomyopathies. Identifiers: Orphanet 167848, MedGen C0878544, MONDO:0004994, HP:0001638. Inheritance: Various modes of inheritance.

Submission:

Color Diagnostics, LLC DBA Color Health
Classification: Uncertain significance for Cardiomyopathy. Last evaluated: 2025-07-08. Review status: criteria provided, single submitter. Criteria: ACMG Guidelines, 2015. Collection method: clinical testing. Allele origin: germline.
Comment: This missense variant replaces serine with tyrosine at codon 3627 of the RYR2 protein. Computational prediction suggests that this variant may not impact protein structure and function. To our knowledge, functional studies have not been reported for this variant. This variant has not been reported in individuals affected with RYR2-related disorders in the literature. This variant has been identified in 1/248730 chromosomes in the general population by the Genome Aggregation Database (gnomAD). The available evidence is insufficient to determine the role of this variant in disease conclusively. Therefore, this variant is classified as a Variant of Uncertain Significance.

NM_001035.3(RYR2):c.10880C>A (p.Ser3627Tyr)

Gene: RYR2 (ryanodine receptor 2; plus strand). Cytogenetic location: 1q43.
Variant type: single nucleotide variant.
Coding change: c.10880C>A on transcript NM_001035.3 (MANE Select); coding-DNA position 10880, C replaced by A.
Protein change: p.Ser3627Tyr; replaces serine 3627 with tyrosine.
Molecular consequence: missense variant.
Genome position (GRCh38, 1-based): chr1:237,730,301, C>A. VCF-style: chr1-237730301-C-A. GRCh37 (hg19) VCF-style: chr1-237893601-C-A.
Other names: short protein forms S3627Y.
Identifiers: ClinVar variation 4758927 (VCV004758927.1).